The following is an entry in ClinVar:

ClinVar aggregate classification (germline): Likely pathogenic. Review status: criteria provided, single submitter (1 of 4 stars). 2 submissions from 2 submitters: Likely pathogenic (1). 1 of the submissions does not count toward it. Last evaluated 2014-02-24.

Conditions:
Hereditary cancer-predisposing syndrome. Also called: Hereditary Cancer Syndrome; Neoplastic Syndromes, Hereditary; Hereditary neoplastic syndrome; Tumor predisposition. Identifiers: Orphanet 140162, MedGen C0027672, MeSH D009386, MONDO:0015356.

Submissions (2):

Ambry Genetics
Classification: Likely pathogenic for Hereditary cancer-predisposing syndrome. Last evaluated: 2014-02-24. Review status: criteria provided, single submitter. Criteria: Ambry Autosomal Dominant and X-Linked criteria (10/2015). Collection method: clinical testing. Allele origin: germline. Observed: 1 variant allele.
Comment: Ã¢â‚¬â€¹The p.E330G variant (also known as c.989A>G) is located in coding exon 8 of the SMAD4 gene. This alteration results from a A to G substitution at nucleotide position 989. The glutamic acid at codon 330 is replaced by glycine, an amino acid with similar properties. This mutation has been reported in multiple individuals diagnosed with juvenile polyposis syndrome (JPS) (Sayed, MG et al. Ann Surg Oncol. 2002 Nov;9(9):901-6; van Hattem, WA et al. Gut. 2008 May;57(5):623-7). In addition, an alteration at the same codon, p.E330K, was reported in a patient diagnosed with both JPS and hereditary hemorrhagic telangiectasia (HHT), whom had a family history of both conditions (Gallione, C et al. Am J Med Genet A. 2010 Feb;152A(2):333-9). This variant was not reported in population-based cohorts in the following databases: Database of Single Nucleotide Polymorphisms (dbSNP), NHLBI Exome Sequencing Project (ESP) and 1000 Genomes Project. To date, this alteration has been detected with an allele frequency of approximately 0.01% (greater than 7,000 alleles tested) in our clinical cohort (includes this individual). Based on protein sequence alignment, this amino acid position is completely conserved in available vertebrate species. In addition, this alteration is predicted to be probably damaging and deleterious by PolyPhen and SIFT in silico analyses, respectively. Based on the majority of available evidence to date, this variant is likely to be pathogenic.

UniProtKB/Swiss-Prot
No classification provided. Review status: no classification provided. Collection method: not provided. Allele origin: not provided. Not counted in ClinVar's aggregate classification.

NM_005359.6(SMAD4):c.989A>G (p.Glu330Gly)

Gene: SMAD4 (SMAD family member 4; plus strand). Cytogenetic location: 18q21.2.
Variant type: single nucleotide variant.
Coding change: c.989A>G on transcript NM_005359.6 (MANE Select); coding-DNA position 989, A replaced by G.
Protein change: p.Glu330Gly; replaces glutamic acid 330 with glycine.
Molecular consequence: missense variant.
Genome position (GRCh38, 1-based): chr18:51,065,456, A>G. VCF-style: chr18-51065456-A-G. GRCh37 (hg19) VCF-style: chr18-48591826-A-G.
Other names: short protein forms E330G.
Identifiers: ClinVar variation 24824 (VCV000024824.5), dbSNP rs281875324, ClinGen allele CA165407.
Genomic context (GRCh38, chr18:51,065,456, plus strand): 5'-ATGTTCTTTCCCATTTATTTCCTATAGCTCCTGAGTATTGGTGTTCCATTGCTTACTTTG[A>G]AATGGATGTTCAGGTAGGAGAGACATTTAAGGTTCCTTCAAGCTGCCCTATTGTTACTGT-3'
Protein context (NP_005350.1, residues 320-340): PEYWCSIAYF[Glu330Gly]MDVQVGETFK